The following is an entry in ClinVar:

ClinVar aggregate classification (germline): Benign/Likely benign. Review status: criteria provided, multiple submitters, no conflicts (2 of 4 stars). 3 submissions from 3 submitters: Benign (1); Likely benign (2). Last evaluated 2024-08-26.

Conditions:
Hereditary cancer-predisposing syndrome. Also called: Neoplastic Syndromes, Hereditary; Tumor predisposition; Hereditary Cancer Syndrome; Hereditary neoplastic syndrome. Identifiers: Orphanet 140162, MedGen C0027672, MeSH D009386, MONDO:0015356.
Familial cancer of breast. Also called: BREAST CANCER, FAMILIAL; Hereditary breast cancer; hereditary breast carcinoma. Identifiers: Orphanet 227535, MedGen C0346153, MONDO:0016419, OMIM 114480. Disease mechanism: loss of function.

Submissions (3):

Myriad Genetics, Inc.
Classification: Benign for Familial cancer of breast. Last evaluated: 2024-08-26. Review status: criteria provided, single submitter. Criteria: Myriad Autosomal Dominant, Autosomal Recessive and X-Linked Classification Criteria (2023). Collection method: clinical testing. Allele origin: unknown.
Comment: This variant is considered benign. This variant is a silent/synonymous amino acid change and it is not expected to impact splicing.

Color Diagnostics, LLC DBA Color Health
Classification: Likely benign for Hereditary cancer-predisposing syndrome. Last evaluated: 2018-03-27. Review status: criteria provided, single submitter. Criteria: ACMG Guidelines, 2015. Collection method: clinical testing. Allele origin: germline.

Ambry Genetics
Classification: Likely benign for Hereditary cancer-predisposing syndrome. Last evaluated: 2016-08-03. Review status: criteria provided, single submitter. Criteria: Ambry Variant Classification Scheme 2023. Collection method: clinical testing. Allele origin: germline.

NM_032043.3(BRIP1):c.1191C>T (p.Asn397=)

Gene: BRIP1 (BRCA1 interacting DNA helicase 1; minus strand). Cytogenetic location: 17q23.2.
Variant type: single nucleotide variant.
Coding change: c.1191C>T on transcript NM_032043.3 (MANE Select); coding-DNA position 1191, C replaced by T.
Protein change: p.Asn397=; no amino-acid change (asparagine 397 retained).
Molecular consequence: synonymous variant.
Genome position (GRCh38, 1-based): chr17:61,799,249, G>A on the plus strand (C>T on the coding strand, the complement: BRIP1 is on the minus strand). VCF-style: chr17-61799249-G-A. GRCh37 (hg19) VCF-style: chr17-59876610-G-A.
Identifiers: ClinVar variation 483165 (VCV000483165.8), dbSNP rs1555607182, ClinGen allele CA501151598.